The following is an entry in ClinVar:

NM_001127222.2(CACNA1A):c.3502G>A (p.Val1168Met)

Gene: CACNA1A (calcium voltage-gated channel subunit alpha1 A; minus strand). Cytogenetic location: 19p13.13.
Variant type: single nucleotide variant.
Coding change: c.3502G>A on transcript NM_001127222.2 (MANE Select); coding-DNA position 3502, G replaced by A.
Protein change: p.Val1168Met; replaces valine 1168 with methionine.
Molecular consequence: missense variant.
Genome position (GRCh38, 1-based): chr19:13,286,554, C>T on the plus strand (G>A on the coding strand, the complement: CACNA1A is on the minus strand). VCF-style: chr19-13286554-C-T. GRCh37 (hg19) VCF-style: chr19-13397368-C-T.
Other names: c.3514G>A, p.Val1172Met (NM_000068.4, NM_023035.3); c.3505G>A, p.Val1169Met (NM_001127221.2, NM_001174080.2); short protein forms V1168M, V1172M, V1169M.
Identifiers: ClinVar variation 4789727 (VCV004789727.1).

ClinVar aggregate classification (germline): Uncertain significance (1 of 4 stars; one submission).

Conditions:
Episodic ataxia type 2 (EA2). Also called: ACETAZOLAMIDE-RESPONSIVE HEREDITARY PAROXYSMAL CEREBELLAR ATAXIA; ATAXIA, EPISODIC, WITH NYSTAGMUS; ATAXIA, FAMILIAL PAROXYSMAL; CEREBELLAR ATAXIA, PAROXYSMAL, ACETAZOLAMIDE-RESPONSIVE; CEREBELLOPATHY, HEREDITARY PAROXYSMAL; EPISODIC ATAXIA, NYSTAGMUS-ASSOCIATED. Identifiers: Orphanet 97, MedGen C1720416, MONDO:0007163, OMIM 108500.
Developmental and epileptic encephalopathy, 42 (DEE42A). Also called: Epileptic encephalopathy, early infantile, 42; DEVELOPMENTAL AND EPILEPTIC ENCEPHALOPATHY 42A; EPILEPTIC ENCEPHALOPATHY, EARLY INFANTILE, 42A. Identifiers: MedGen C4310716, MONDO:0014917, OMIM 617106.

Submission:

Labcorp Genetics (formerly Invitae), Labcorp
Classification: Uncertain significance for Developmental and epileptic encephalopathy, 42; Episodic ataxia type 2. Last evaluated: 2025-06-30. Review status: criteria provided, single submitter. Criteria: Invitae Variant Classification Sherloc (09022015). Collection method: clinical testing. Allele origin: germline.
Comment: This sequence change replaces valine, which is neutral and non-polar, with methionine, which is neutral and non-polar, at codon 1169 of the CACNA1A protein (p.Val1169Met). This variant is not present in population databases (gnomAD no frequency). This variant has not been reported in the literature in individuals affected with CACNA1A-related conditions. Invitae Evidence Modeling of protein sequence and biophysical properties (such as structural, functional, and spatial information, amino acid conservation, physicochemical variation, residue mobility, and thermodynamic stability) indicates that this missense variant is not expected to disrupt CACNA1A protein function with a negative predictive value of 95%. In summary, the available evidence is currently insufficient to determine the role of this variant in disease. Therefore, it has been classified as a Variant of Uncertain Significance.